The following is an entry in ClinVar:

ClinVar aggregate classification (germline): Uncertain significance (1 of 4 stars; one submission).

gnomAD v4.1: 3 of 1,612,968 alleles (0.00019%); highest among the groups gnomAD compares: Non-Finnish European, 0.00025%; no homozygotes.

Submission:

CeGaT Center for Human Genetics Tuebingen
Classification: Uncertain significance. Last evaluated: 2024-01-01. Review status: criteria provided, single submitter. Criteria: CeGaT Center For Human Genetics Tuebingen Variant Classification Criteria Version 2. Collection method: clinical testing. Allele origin: germline. Affected: yes. Observed: 1 variant allele.
Comment: AUTS2: PM2

NM_015570.4(AUTS2):c.2754G>C (p.Glu918Asp)

Gene: AUTS2 (activator of transcription and developmental regulator AUTS2; plus strand). Cytogenetic location: 7q11.22.
Variant type: single nucleotide variant.
Coding change: c.2754G>C on transcript NM_015570.4 (MANE Select); coding-DNA position 2754, G replaced by C.
Protein change: p.Glu918Asp; replaces glutamic acid 918 with aspartic acid.
Molecular consequence: missense variant.
Genome position (GRCh38, 1-based): chr7:70,789,970, G>C. VCF-style: chr7-70789970-G-C. GRCh37 (hg19) VCF-style: chr7-70254956-G-C.
Other names: c.2682G>C, p.Glu894Asp (NM_001127231.3); short protein forms E894D, E918D.
Identifiers: ClinVar variation 3026750 (VCV003026750.22), dbSNP rs1585700506, ClinGen allele CA367664765.